The following is an entry in ClinVar:

NM_000572.3(IL10):c.374G>A (p.Arg125His)

Genes: IL10 (interleukin 10; minus strand), IL19 (interleukin 19; plus strand). Cytogenetic location: 1q32.1.
Variant type: single nucleotide variant.
Coding change: c.374G>A on transcript NM_000572.3 (MANE Select); coding-DNA position 374, G replaced by A.
Protein change: p.Arg125His; replaces arginine 125 with histidine.
Molecular consequence: missense variant. On other transcripts: 5 prime UTR variant (1), non-coding transcript variant (1), intron variant (1).
Genome position (GRCh38, 1-based): chr1:206,770,911, C>T on the plus strand (G>A on the coding strand, the complement: IL10 is on the minus strand). VCF-style: chr1-206770911-C-T. GRCh37 (hg19) VCF-style: chr1-206944256-C-T.
Other names: c.-316C>T (NM_153758.5); c.119G>A, p.Arg40His (NM_001382624.1); c.-149+81C>T (NM_001393490.1); short protein forms R125H, R40H.
Identifiers: ClinVar variation 1420500 (VCV001420500.3), dbSNP rs374619208, ClinGen allele CA1363764.

ClinVar aggregate classification (germline): Uncertain significance (1 of 4 stars; one submission).

Conditions:
Inflammatory bowel disease. Identifiers: Orphanet 104012, MedGen C0021390, MONDO:0005265, HP:0002037.

Allele frequency attached by ClinVar (database versions not stated): gnomAD exomes below 0.00001; ExAC 0.00002; TOPMed 0.00002; gnomAD 0.00003; ESP Exome Variant Server 0.00008.
gnomAD v4.1: 36 of 1,613,906 alleles (0.0022%); highest among the groups gnomAD compares: Non-Finnish European, 0.0026%; no homozygotes.

Submission:

Labcorp Genetics (formerly Invitae), Labcorp
Classification: Uncertain significance for Inflammatory bowel disease. Last evaluated: 2022-08-16. Review status: criteria provided, single submitter. Criteria: Invitae Variant Classification Sherloc (09022015). Collection method: clinical testing. Allele origin: germline.
Comment: This sequence change replaces arginine, which is basic and polar, with histidine, which is basic and polar, at codon 125 of the IL10 protein (p.Arg125His). This variant is present in population databases (rs374619208, gnomAD 0.003%). This missense change has been observed in individual(s) with early onset inflammatory bowel disease (PMID: 26193622). ClinVar contains an entry for this variant (Variation ID: 1420500). Algorithms developed to predict the effect of missense changes on protein structure and function are either unavailable or do not agree on the potential impact of this missense change (SIFT: "Deleterious"; PolyPhen-2: "Benign"; Align-GVGD: "Class C0"). In summary, the available evidence is currently insufficient to determine the role of this variant in disease. Therefore, it has been classified as a Variant of Uncertain Significance.

Literature cited by the submitters: PubMed 26193622.